The following is an entry in ClinVar:

NM_005591.4(MRE11):c.788T>C (p.Ile263Thr)

Gene: MRE11 (MRE11 double strand break repair nuclease; minus strand). Cytogenetic location: 11q21.
Variant type: single nucleotide variant.
Coding change: c.788T>C on transcript NM_005591.4 (MANE Select); coding-DNA position 788, T replaced by C.
Protein change: p.Ile263Thr; replaces isoleucine 263 with threonine.
Molecular consequence: missense variant.
Genome position (GRCh38, 1-based): chr11:94,471,631, A>G on the plus strand (T>C on the coding strand, the complement: MRE11 is on the minus strand). VCF-style: chr11-94471631-A-G. GRCh37 (hg19) VCF-style: chr11-94204797-A-G.
Other names: c.788T>C, p.Ile263Thr (NM_001330347.2, NM_005590.4); short protein forms I263T.
Identifiers: ClinVar variation 452794 (VCV000452794.3), dbSNP rs764146299, ClinGen allele CA382375621.
Genomic context (GRCh38, chr11:94,471,631, plus strand): 5'-CACTTCTTTACAGCTTCTCCTGGGGAAAGAGAAGTAACCACTGAGCTTCCAGGTTGTGAG[A>G]TATAAAACAGCTGTTGTTCATTTTTGGTTGGAGCTATTTTACACTCATGTTCATGGCCCC-3'
Protein context (NP_005582.1, residues 253-273): PTKNEQQLFY[Ile263Thr]SQPGSSVVTS

ClinVar aggregate classification (germline): Uncertain significance. Review status: criteria provided, multiple submitters, no conflicts (2 of 4 stars). 2 submissions from 2 submitters: Uncertain significance (2). Last evaluated 2025-07-25.

Conditions:
Hereditary cancer-predisposing syndrome. Also called: Hereditary Cancer Syndrome; Hereditary neoplastic syndrome; Neoplastic Syndromes, Hereditary; Tumor predisposition. Identifiers: Orphanet 140162, MedGen C0027672, MeSH D009386, MONDO:0015356.

Submissions (2):

Ambry Genetics
Classification: Uncertain significance for Hereditary cancer-predisposing syndrome. Last evaluated: 2025-07-25. Review status: criteria provided, single submitter. Criteria: Ambry Variant Classification Scheme 2023. Collection method: clinical testing. Allele origin: germline.
Comment: The p.I263T variant (also known as c.788T>C), located in coding exon 7 of the MRE11A gene, results from a T to C substitution at nucleotide position 788. The isoleucine at codon 263 is replaced by threonine, an amino acid with similar properties. This amino acid position is conserved. In addition, the in silico prediction for this alteration is inconclusive. Based on the available evidence, the clinical significance of this variant remains unclear.

GeneDx
Classification: Uncertain significance. Last evaluated: 2017-10-20. Review status: criteria provided, single submitter. Criteria: GeneDx Variant Classification (06012015). Collection method: clinical testing. Allele origin: germline. Affected: yes.
Comment: The I263T variant in the MRE11A gene has not been reported previously as a pathogenic variant, nor as a benign variant, to our knowledge. The I263T variant is not observed in large population cohorts (Lek et al., 2016). The I263T variant is a non-conservative amino acid substitution, which is likely to impact secondary protein structure as these residues differ in polarity, charge, size and/or other properties. This substitution occurs at a position where amino acids with similar properties to Isoleucine are tolerated across species. In silico analysis predicts this variant is probably damaging to the protein structure/function. We interpret I263T as a variant of uncertain significance.